The following is an entry in ClinVar:

NM_015072.5(TTLL5):c.3667G>A (p.Ala1223Thr)

Gene: TTLL5 (tubulin tyrosine ligase like 5; plus strand). Cytogenetic location: 14q24.3.
Variant type: single nucleotide variant.
Coding change: c.3667G>A on transcript NM_015072.5 (MANE Select); coding-DNA position 3667, G replaced by A.
Protein change: p.Ala1223Thr; replaces alanine 1223 with threonine.
Molecular consequence: missense variant.
Genome position (GRCh38, 1-based): chr14:75,882,829, G>A. VCF-style: chr14-75882829-G-A. GRCh37 (hg19) VCF-style: chr14-76349172-G-A.
Other names: short protein forms A1223T.
Identifiers: ClinVar variation 850965 (VCV000850965.8), dbSNP rs10130991, ClinGen allele CA7280102.
Genomic context (GRCh38, chr14:75,882,829, plus strand): 5'-GCTAGTGGCCAGAAGCCAACCACTCTGCCACAAAAAGTGGTACCACCTCCAAGTTCTTGC[G>A]CCTCCCTGGTTCCCAAACCCCCACCCAACCACGAACAAGTGCTCAGAAGGGCAACATCCC-3'
Protein context (NP_055887.3, residues 1213-1233): QKVVPPPSSC[Ala1223Thr]SLVPKPPPNH

ClinVar aggregate classification (germline): Conflicting classifications of pathogenicity. Review status: criteria provided, conflicting classifications (1 of 4 stars). 2 submissions from 2 submitters: Uncertain significance (1); Likely benign (1). Last evaluated 2024-05-03.

Allele frequency attached by ClinVar (database versions not stated): TOPMed 0.00001.
gnomAD v4.1: 29 of 1,613,914 alleles (0.0018%); highest among the groups gnomAD compares: South Asian, 0.0077%; no homozygotes.

Submissions (2):

Blueprint Genetics
Classification: Likely benign. Last evaluated: 2024-05-03. Review status: criteria provided, single submitter. Criteria: ACMG Guidelines, 2015. Collection method: clinical testing. Allele origin: germline.

Labcorp Genetics (formerly Invitae), Labcorp
Classification: Uncertain significance. Last evaluated: 2022-08-12. Review status: criteria provided, single submitter. Criteria: Invitae Variant Classification Sherloc (09022015). Collection method: clinical testing. Allele origin: germline.
Comment: This sequence change replaces alanine, which is neutral and non-polar, with threonine, which is neutral and polar, at codon 1223 of the TTLL5 protein (p.Ala1223Thr). This variant is present in population databases (rs10130991, gnomAD 0.01%). This variant has not been reported in the literature in individuals affected with TTLL5-related conditions. ClinVar contains an entry for this variant (Variation ID: 850965). Algorithms developed to predict the effect of missense changes on protein structure and function output the following: SIFT: "Tolerated"; PolyPhen-2: "Benign"; Align-GVGD: "Class C0". The threonine amino acid residue is found in multiple mammalian species, which suggests that this missense change does not adversely affect protein function. In summary, the available evidence is currently insufficient to determine the role of this variant in disease. Therefore, it has been classified as a Variant of Uncertain Significance.